The following is an entry in ClinVar:

NM_000431.4(MVK):c.381_385del (p.Ser128fs)

Gene: MVK (mevalonate kinase; plus strand). Cytogenetic location: 12q24.11.
Variant type: Deletion.
Coding change: c.381_385del on transcript NM_000431.4 (MANE Select); coding-DNA positions 381 to 385, 5 bases deleted (GAGCC; older notation c.381_385delGAGCC).
Protein change: p.Ser128fs; shifts the reading frame from serine 128.
Molecular consequence: frameshift variant. On other transcripts: 5 prime UTR variant (1), non-coding transcript variant (3), intron variant (2).
Genome position (GRCh38, 1-based): chr12:109,581,404-109,581,408, GAGCC deleted; deleting any 5 consecutive bases within chr12:109,581,401-109,581,408 gives the same sequence; the c. name uses the placement nearest the transcript's 3' end. VCF-style (leftmost placement, unchanged base first): chr12-109581400-TGCCGA-T. GRCh37 (hg19) VCF-style: chr12-110019205-TGCCGA-T.
Other names: c.381_385del, p.Ser128fs (NM_001114185.3, NM_001414511.1, NM_001414512.1 and 1 more transcripts); c.-202_-198del (NM_001414515.1); c.371+1458_371+1462del (NM_001414514.1, NM_001301182.2); short protein forms S128fs.
Identifiers: ClinVar variation 3753367 (VCV003753367.2).

ClinVar aggregate classification (germline): Pathogenic (1 of 4 stars; one submission).

Conditions:
Mevalonic aciduria (MEVA). Identifiers: Orphanet 29, MedGen C1959626, MONDO:0012481, OMIM 610377.
Porokeratosis 3, disseminated superficial actinic type (POROK3). Also called: POROKERATOSIS, DISSEMINATED SUPERFICIAL ACTINIC, 1; POROKERATOSIS 3, MULTIPLE TYPES; POROKERATOSIS 3, MIBELLI TYPE. Identifiers: MedGen C1867981, MONDO:0008293, OMIM 175900.
Hyperimmunoglobulin D with periodic fever (HIDS). Also called: Hyperimmunoglobulinemia D with periodic fever; HYPERIMMUNOGLOBULINEMIA D AND PERIODIC FEVER SYNDROME; Hyperimmunoglobulinemia D. Identifiers: Orphanet 343, MedGen C0398691, MONDO:0009849, OMIM 260920.

Submission:

Labcorp Genetics (formerly Invitae), Labcorp
Classification: Pathogenic for Mevalonic aciduria; Hyperimmunoglobulin D with periodic fever; Porokeratosis 3, disseminated superficial actinic type. Last evaluated: 2024-02-24. Review status: criteria provided, single submitter. Criteria: Invitae Variant Classification Sherloc (09022015). Collection method: clinical testing. Allele origin: germline.
Comment: This sequence change creates a premature translational stop signal (p.Ser128Glyfs*57) in the MVK gene. It is expected to result in an absent or disrupted protein product. Loss-of-function variants in MVK are known to be pathogenic (PMID: 16835861, 17105862, 23834120). This variant is not present in population databases (gnomAD no frequency). This variant has not been reported in the literature in individuals affected with MVK-related conditions. For these reasons, this variant has been classified as Pathogenic.

Literature cited by the submitters: PubMed 16835861; PubMed 17105862; PubMed 23834120.